The following is an entry in ClinVar:

NM_000702.4(ATP1A2):c.1130G>T (p.Gly377Val)

Gene: ATP1A2 (ATPase Na+/K+ transporting subunit alpha 2; plus strand). Cytogenetic location: 1q23.2.
Variant type: single nucleotide variant.
Coding change: c.1130G>T on transcript NM_000702.4 (MANE Select); coding-DNA position 1130, G replaced by T.
Protein change: p.Gly377Val; replaces glycine 377 with valine.
Molecular consequence: missense variant.
Genome position (GRCh38, 1-based): chr1:160,128,764, G>T. VCF-style: chr1-160128764-G-T. GRCh37 (hg19) VCF-style: chr1-160098554-G-T.
Other names: short protein forms G377V.
Identifiers: ClinVar variation 1719913 (VCV001719913.6), dbSNP rs2524868153, ClinGen allele CA343239496.
Genomic context (GRCh38, chr1:160,128,764, plus strand): 5'-AGAACCTGGAGGCGGTGGAGACGCTGGGCTCCACGTCCACCATCTGCTCGGACAAGACGG[G>T]CACCCTCACCCAGAACCGCATGACCGTCGCCCACATGTGGTTCGACAACCAAATCCATGA-3'
Protein context (NP_000693.1, residues 367-387): STSTICSDKT[Gly377Val]TLTQNRMTVA

ClinVar aggregate classification (germline): Pathogenic (1 of 4 stars; one submission).

Conditions:
Familial hemiplegic migraine. Identifiers: MedGen C0338484, MONDO:0000700.

Submission:

Labcorp Genetics (formerly Invitae), Labcorp
Classification: Pathogenic for Familial hemiplegic migraine. Last evaluated: 2022-10-31. Review status: criteria provided, single submitter. Criteria: Invitae Variant Classification Sherloc (09022015). Collection method: clinical testing. Allele origin: germline.
Comment: For these reasons, this variant has been classified as Pathogenic. Advanced modeling of protein sequence and biophysical properties (such as structural, functional, and spatial information, amino acid conservation, physicochemical variation, residue mobility, and thermodynamic stability) performed at Invitae indicates that this missense variant is expected to disrupt ATP1A2 protein function. This missense change has been observed in individual(s) with clinical features of autosomal dominant ATP1A2-related conditions (Invitae). In at least one individual the variant was observed to be de novo. This variant is not present in population databases (gnomAD no frequency). This sequence change replaces glycine, which is neutral and non-polar, with valine, which is neutral and non-polar, at codon 377 of the ATP1A2 protein (p.Gly377Val).